The following is an entry in ClinVar:

ClinVar aggregate classification (germline): Uncertain significance (1 of 4 stars; one submission).

gnomAD v4.1: 3 of 1,551,918 alleles (0.00019%); highest among the groups gnomAD compares: East Asian, 0.0073%; no homozygotes.

Submission:

Labcorp Genetics (formerly Invitae), Labcorp
Classification: Uncertain significance. Last evaluated: 2026-01-14. Review status: criteria provided, single submitter. Criteria: Invitae Variant Classification Sherloc (09022015). Collection method: clinical testing. Allele origin: germline.
Comment: This sequence change replaces alanine, which is neutral and non-polar, with threonine, which is neutral and polar, at codon 555 of the CPLANE1 protein (p.Ala555Thr). This variant is not present in population databases (gnomAD no frequency). This variant has not been reported in the literature in individuals affected with CPLANE1-related conditions. Invitae Evidence Modeling of protein sequence and biophysical properties (such as structural, functional, and spatial information, amino acid conservation, physicochemical variation, residue mobility, and thermodynamic stability) indicates that this missense variant is not expected to disrupt CPLANE1 protein function with a negative predictive value of 95%. In summary, the available evidence is currently insufficient to determine the role of this variant in disease. Therefore, it has been classified as a Variant of Uncertain Significance.

NM_001384732.1(CPLANE1):c.1663G>A (p.Ala555Thr)

Gene: CPLANE1 (ciliogenesis and planar polarity effector complex subunit 1; minus strand). Cytogenetic location: 5p13.2.
Variant type: single nucleotide variant.
Coding change: c.1663G>A on transcript NM_001384732.1 (MANE Select); coding-DNA position 1663, G replaced by A.
Protein change: p.Ala555Thr; replaces alanine 555 with threonine.
Molecular consequence: missense variant.
Genome position (GRCh38, 1-based): chr5:37,226,932, C>T on the plus strand (G>A on the coding strand, the complement: CPLANE1 is on the minus strand). VCF-style: chr5-37226932-C-T. GRCh37 (hg19) VCF-style: chr5-37227034-C-T.
Other names: c.1663G>A, p.Ala555Thr (NM_023073.4); short protein forms A555T.
Identifiers: ClinVar variation 4779385 (VCV004779385.1).